The following is an entry in ClinVar:

ClinVar aggregate classification (germline): Pathogenic. Review status: criteria provided, multiple submitters, no conflicts (2 of 4 stars). 3 submissions from 3 submitters: Pathogenic (3). Last evaluated 2024-11-11.

Conditions:
Respiratory ciliopathies including non-CF bronchiectasis.
Primary ciliary dyskinesia. Also called: Ciliary dyskinesia. Identifiers: Orphanet 244, MedGen C0008780, MONDO:0016575, HP:0012265.
Primary ciliary dyskinesia 3. Identifiers: Orphanet 244, MedGen C1837618, MONDO:0012085, OMIM 608644.

Allele frequency attached by ClinVar (database versions not stated): gnomAD exomes below 0.00001; ExAC 0.00001.
gnomAD v4.1: 2 of 1,614,030 alleles (0.00012%); highest among the groups gnomAD compares: South Asian, 0.0022%; no homozygotes.

Submissions (3):

NHS Central & South Genomic Laboratory Hub
Classification: Pathogenic for Respiratory ciliopathies including non-CF bronchiectasis. Last evaluated: 2024-11-11. Review status: criteria provided, single submitter. Criteria: ACMG Guidelines, 2015. Collection method: clinical testing. Allele origin: germline. Affected: yes.

Myriad Genetics, Inc.
Classification: Pathogenic for Primary ciliary dyskinesia 3. Last evaluated: 2024-05-14. Review status: criteria provided, single submitter. Criteria: Myriad Autosomal Dominant, Autosomal Recessive and X-Linked Classification Criteria (2023). Collection method: clinical testing. Allele origin: unknown.
Comment: NM_001369.2(DNAH5):c.10508G>A(W3503*) is expected to be pathogenic in the context of primary ciliary dyskinesia, DNAH5-related. This variant is predicted to lead to an abnormal or absent protein product due to the creation of a premature termination codon in DNAH5, a gene where loss-of-function variants are known to be pathogenic. Please note: this variant was assessed in the context of healthy population screening.

Labcorp Genetics (formerly Invitae), Labcorp
Classification: Pathogenic for Primary ciliary dyskinesia. Last evaluated: 2021-12-30. Review status: criteria provided, single submitter. Criteria: Invitae Variant Classification Sherloc (09022015). Collection method: clinical testing. Allele origin: germline.
Comment: This sequence change creates a premature translational stop signal (p.Trp3503*) in the DNAH5 gene. It is expected to result in an absent or disrupted protein product. Loss-of-function variants in DNAH5 are known to be pathogenic (PMID: 11788826, 16627867). The frequency data for this variant in the population databases is considered unreliable, as metrics indicate poor data quality at this position in the gnomAD database. This premature translational stop signal has been observed in individual(s) with primary ciliary dyskinesia (PMID: 24498942). For these reasons, this variant has been classified as Pathogenic.

Literature cited by the submitters: PubMed 11788826 (cited by Labcorp Genetics (formerly Invitae), Labcorp); PubMed 16627867 (cited by Labcorp Genetics (formerly Invitae), Labcorp); PubMed 24498942 (cited by Labcorp Genetics (formerly Invitae), Labcorp).

NM_001369.3(DNAH5):c.10508G>A (p.Trp3503Ter)

Gene: DNAH5 (dynein axonemal heavy chain 5; minus strand). Cytogenetic location: 5p15.2.
Variant type: single nucleotide variant.
Coding change: c.10508G>A on transcript NM_001369.3 (MANE Select); coding-DNA position 10508, G replaced by A.
Protein change: p.Trp3503Ter; replaces tryptophan 3503 with a stop codon.
Molecular consequence: nonsense.
Genome position (GRCh38, 1-based): chr5:13,754,250, C>T on the plus strand (G>A on the coding strand, the complement: DNAH5 is on the minus strand). VCF-style: chr5-13754250-C-T. GRCh37 (hg19) VCF-style: chr5-13754359-C-T.
Other names: short protein forms W3503*.
Identifiers: ClinVar variation 1458959 (VCV001458959.8), dbSNP rs777987305, ClinGen allele CA3202204.